The following is an entry in ClinVar:

NM_182914.3(SYNE2):c.18852C>A (p.Arg6284=)

Gene: SYNE2 (spectrin repeat containing nuclear envelope protein 2; plus strand). Cytogenetic location: 14q23.2.
Variant type: single nucleotide variant.
Coding change: c.18852C>A on transcript NM_182914.3 (MANE Select); coding-DNA position 18852, C replaced by A.
Protein change: p.Arg6284=; no amino-acid change (arginine 6284 retained).
Molecular consequence: synonymous variant.
Genome position (GRCh38, 1-based): chr14:64,212,089, C>A. VCF-style: chr14-64212089-C-A. GRCh37 (hg19) VCF-style: chr14-64678807-C-A.
Other names: c.18852C>A, p.Arg6284= (NM_015180.6).
Identifiers: ClinVar variation 2644310 (VCV002644310.24), dbSNP rs2098644214, ClinGen allele CA486714038.
Genomic context (GRCh38, chr14:64,212,089, plus strand): 5'-GGACCTGCAGCTGACCAACGTGGAGCACTTCTCAGAGAGTGACGCCGATGACAAGATGCG[C>A]CAACTGAATGTGAGGGCTGCTGCTTCCCTAGCTCTTCTCAAAAGAACACACCTTTGCGTG-3'
Protein context (NP_878918.2, residues 6274-6294): FSESDADDKM[Arg6284=]QLNGFQQEIT

ClinVar aggregate classification (germline): Likely benign (1 of 4 stars; one submission).

Submission:

CeGaT Center for Human Genetics Tuebingen
Classification: Likely benign. Last evaluated: 2023-03-01. Review status: criteria provided, single submitter. Criteria: CeGaT Center For Human Genetics Tuebingen Variant Classification Criteria Version 2. Collection method: clinical testing. Allele origin: germline. Affected: yes. Observed: 1 variant allele.
Comment: SYNE2: PM2:Supporting, BP4, BP7